The following is an entry in ClinVar:

NM_020822.3(KCNT1):c.2170_2184dup (p.Pro724_Leu728dup)

Gene: KCNT1 (potassium sodium-activated channel subfamily T member 1; plus strand). Cytogenetic location: 9q34.3.
Variant type: Duplication.
Coding change: c.2170_2184dup on transcript NM_020822.3 (MANE Select); coding-DNA positions 2170 to 2184, 15 bases duplicated (CCCTGCGACCTGCTG).
Protein change: p.Pro724_Leu728dup.
Molecular consequence: inframe insertion.
Genome position (GRCh38, 1-based): chr9:135,772,876-135,772,890, CCCTGCGACCTGCTG duplicated; duplicating any 15 consecutive bases within chr9:135,772,869-135,772,890 gives the same sequence; the c. name uses the placement nearest the transcript's 3' end. VCF-style (leftmost placement, unchanged base first): chr9-135772868-C-CCCTGCTGCCCTGCGA. GRCh37 (hg19) VCF-style: chr9-138664714-C-CCCTGCTGCCCTGCGA.
Other names: c.2035_2049dup, p.Pro679_Leu683dup (NM_001272003.2); c.2170_2184dupCCCTGCGACCTGCTG (NM_020822.2).
Identifiers: ClinVar variation 429344 (VCV000429344.15), dbSNP rs757605635, ClinGen allele CA5327197.

ClinVar aggregate classification (germline): Uncertain significance. Review status: criteria provided, multiple submitters, no conflicts (2 of 4 stars). 5 submissions from 4 submitters: Uncertain significance (5). Last evaluated 2026-02-01.

Conditions:
Inborn genetic diseases. Identifiers: MedGen C0950123, MeSH D030342.
Developmental and epileptic encephalopathy, 14 (DEE14). Also called: Early infantile epileptic encephalopathy 14. Identifiers: Orphanet 293181, MedGen C3554195, MONDO:0013989, OMIM 614959.
Autosomal dominant nocturnal frontal lobe epilepsy 5. Also called: CILIARY DYSKINESIA, PRIMARY, 28, WITH SITUS INVERSUS; Epilepsy, nocturnal frontal lobe, 5; CILIARY DYSKINESIA, PRIMARY, 28, WITHOUT SITUS INVERSUS; KCNT1-Related Epilepsy. Identifiers: Orphanet 98784, MedGen C3554306, MONDO:0014002, OMIM 615005.

Submissions (5):

Labcorp Genetics (formerly Invitae), Labcorp
Classification: Uncertain significance for Autosomal dominant nocturnal frontal lobe epilepsy 5; Developmental and epileptic encephalopathy, 14. Last evaluated: 2026-02-01. Review status: criteria provided, single submitter. Criteria: Invitae Variant Classification Sherloc (09022015). Collection method: clinical testing. Allele origin: germline.
Comment: This variant, c.2170_2184dup, results in the insertion of 5 amino acid(s) of the KCNT1 protein (p.Pro724_Leu728dup), but otherwise preserves the integrity of the reading frame. This variant is present in population databases (rs757605635, gnomAD 0.01%). This variant has been observed in individual(s) with infantile seizures (PMID: 31388363). ClinVar contains an entry for this variant (Variation ID: 429344). Experimental studies and prediction algorithms are not available or were not evaluated, and the functional significance of this variant is currently unknown. In summary, the available evidence is currently insufficient to determine the role of this variant in disease. Therefore, it has been classified as a Variant of Uncertain Significance.

GeneDx
Classification: Uncertain significance. Last evaluated: 2022-07-25. Review status: criteria provided, single submitter. Criteria: GeneDx Variant Classification Process June 2021. Collection method: clinical testing. Allele origin: germline. Affected: yes.
Comment: Reported in a patient in published literature with infantile seizures who also harbored another variant in the KCNT1 gene, although familial segregation information was not provided to determine if either variant occurred de novo or to determine if the variants occurred on the same (in cis) or on different (in trans) chromosomes (Passey et al., 2019); Not observed in large population cohorts (gnomAD); In-frame insertion of 5 amino acids in a non-repeat region; This variant is associated with the following publications: (PMID: 31388363)

Genome-Nilou Lab
Classification: Uncertain significance for Developmental and epileptic encephalopathy, 14. Last evaluated: 2022-03-15. Review status: criteria provided, single submitter. Criteria: ACMG Guidelines, 2015. Collection method: clinical testing. Allele origin: germline. Affected: no.

Genome-Nilou Lab
Classification: Uncertain significance for Autosomal dominant nocturnal frontal lobe epilepsy 5. Last evaluated: 2022-03-15. Review status: criteria provided, single submitter. Criteria: ACMG Guidelines, 2015. Collection method: clinical testing. Allele origin: germline. Affected: no.

Ambry Genetics
Classification: Uncertain significance for Inborn genetic diseases. Last evaluated: 2018-05-03. Review status: criteria provided, single submitter. Criteria: Ambry Variant Classification Scheme 2023. Collection method: clinical testing. Allele origin: germline.
Comment: The c.2170_2184dup15 variant (also known as p.P724_L728dup), located in coding exon 19 of the KCNT1 gene, results from an in-frame duplication of 15 nucleotides at nucleotide positions 2170 to 2184. This results in the duplication of 5 extra residues (PCDLL) between codons 724 and 728. These amino acid positions are well conserved in available vertebrate species. In addition, this alteration is predicted to be deleterious by in silico analysis (Choi Y et al., PLoS ONE 2012; 7(10):e46688). Since supporting evidence is limited at this time, the clinical significance of this alteration remains unclear.

Literature cited by the submitters: PubMed 31388363 (cited by Labcorp Genetics (formerly Invitae), Labcorp).